The following is an entry in ClinVar:

ClinVar aggregate classification (germline): Likely benign. Review status: criteria provided, multiple submitters, no conflicts (2 of 4 stars). 3 submissions from 3 submitters: Likely benign (2). 1 of the submissions does not count toward it. Last evaluated 2025-10-29.

Conditions:
ANTXR2-related disorder. Also called: ANTXR2-related condition.
Hyaline fibromatosis syndrome (HFS). Also called: Hyalinosis, Inherited Systemic; HYALINOSIS, SYSTEMIC. Identifiers: Orphanet 2028, Orphanet 498474, MedGen C5574677, MONDO:0009229, OMIM 228600.

Allele frequency attached by ClinVar (database versions not stated): gnomAD exomes 0.00030; ExAC 0.00072; 1000 Genomes Project 0.00080; ESP Exome Variant Server 0.00120; 1000 Genomes Project 30x 0.00125; gnomAD 0.00156 and 0.00175; TOPMed 0.00190.
gnomAD v4.1: 413 of 1,518,908 alleles (0.027%); highest among the groups gnomAD compares: African/African-American, 0.51%; no homozygotes.

Submissions (3):

Labcorp Genetics (formerly Invitae), Labcorp
Classification: Likely benign. Last evaluated: 2025-10-29. Review status: criteria provided, single submitter. Criteria: Invitae Variant Classification Sherloc (09022015). Collection method: clinical testing. Allele origin: germline.

Illumina Laboratory Services, Illumina
Classification: Likely benign for Hyaline fibromatosis syndrome. Last evaluated: 2018-01-13. Review status: criteria provided, single submitter. Criteria: ICSL Variant Classification Criteria 13 December 2019. Collection method: clinical testing. Allele origin: germline.
Comment: This variant was observed in the ICSL laboratory as part of a predisposition screen in an ostensibly healthy population. It had not been previously curated by ICSL or reported in the Human Gene Mutation Database (HGMD: prior to June 1st, 2018), and was therefore a candidate for classification through an automated scoring system. Utilizing variant allele frequency, disease prevalence and penetrance estimates, and inheritance mode, an automated score was calculated to assess if this variant is too frequent to cause the disease. Based on the score and internal cut-off values, a variant classified as likely benign is not then subjected to further curation. The score for this variant resulted in a classification of likely benign for this disease.

PreventionGenetics, part of Exact Sciences
Classification: Likely benign for ANTXR2-related condition. Last evaluated: 2019-06-04. Review status: no assertion criteria provided. Collection method: clinical testing. Allele origin: germline. Not counted in ClinVar's aggregate classification.
Comment: This variant is classified as likely benign based on ACMG/AMP sequence variant interpretation guidelines (Richards et al. 2015 PMID: 25741868, with internal and published modifications).

NM_058172.6(ANTXR2):c.916G>C (p.Gly306Arg)

Gene: ANTXR2 (ANTXR cell adhesion molecule 2; minus strand). Cytogenetic location: 4q21.21.
Variant type: single nucleotide variant.
Coding change: c.916G>C on transcript NM_058172.6 (MANE Select); coding-DNA position 916, G replaced by C.
Protein change: p.Gly306Arg; replaces glycine 306 with arginine.
Molecular consequence: missense variant.
Genome position (GRCh38, 1-based): chr4:80,018,927, C>G on the plus strand (G>C on the coding strand, the complement: ANTXR2 is on the minus strand). VCF-style: chr4-80018927-C-G. GRCh37 (hg19) VCF-style: chr4-80940081-C-G.
Other names: c.916G>C, p.Gly306Arg (NM_001145794.2); c.685G>C, p.Gly229Arg (NM_001286780.2, NM_001286781.2); short protein forms G229R, G306R.
Identifiers: ClinVar variation 727258 (VCV000727258.10), dbSNP rs202143525, ClinGen allele CA2981803.